The following is an entry in ClinVar:

ClinVar aggregate classification (germline): Benign (1 of 4 stars; one submission).

Conditions:
Heterotaxy, visceral, 4, autosomal (HTX4). Identifiers: Orphanet 450, MedGen C3151057, MONDO:0013403, OMIM 613751.

Allele frequency attached by ClinVar (database versions not stated): 1000 Genomes Project 30x 0.00031; TOPMed 0.00039; 1000 Genomes Project 0.00040; gnomAD 0.00048 and 0.00052.

Submission:

Illumina Laboratory Services, Illumina
Classification: Benign for Heterotaxy, visceral, 4, autosomal. Last evaluated: 2018-01-13. Review status: criteria provided, single submitter. Criteria: ICSL Variant Classification Criteria 13 December 2019. Collection method: clinical testing. Allele origin: germline.
Comment: This variant was observed in the ICSL laboratory as part of a predisposition screen in an ostensibly healthy population. It had not been previously curated by ICSL or reported in the Human Gene Mutation Database (HGMD: prior to June 1st, 2018), and was therefore a candidate for classification through an automated scoring system. Utilizing variant allele frequency, disease prevalence and penetrance estimates, and inheritance mode, an automated score was calculated to assess if this variant is too frequent to cause the disease. Based on the score and internal cut-off values, a variant classified as benign is not then subjected to further curation. The score for this variant resulted in a classification of benign for this disease.

NM_001106.4(ACVR2B):c.*4423A>G

Gene: ACVR2B (activin A receptor type 2B; plus strand). Cytogenetic location: 3p22.2.
Variant type: single nucleotide variant.
Coding change: c.*4423A>G on transcript NM_001106.4 (MANE Select); 4423 bases downstream of the stop codon, A replaced by G.
Molecular consequence: 3 prime UTR variant.
Genome position (GRCh38, 1-based): chr3:38,487,755, A>G. VCF-style: chr3-38487755-A-G. GRCh37 (hg19) VCF-style: chr3-38529246-A-G.
Identifiers: ClinVar variation 344988 (VCV000344988.5), dbSNP rs184076956, ClinGen allele CA10615756.